The following is an entry in ClinVar:

NM_000368.5(TSC1):c.59G>A (p.Gly20Asp)

Gene: TSC1 (TSC complex subunit 1; minus strand). Cytogenetic location: 9q34.13.
Variant type: single nucleotide variant.
Coding change: c.59G>A on transcript NM_000368.5 (MANE Select); coding-DNA position 59, G replaced by A.
Protein change: p.Gly20Asp; replaces glycine 20 with aspartic acid.
Molecular consequence: missense variant. On other transcripts: 5 prime UTR variant (1).
Genome position (GRCh38, 1-based): chr9:132,928,814, C>T on the plus strand (G>A on the coding strand, the complement: TSC1 is on the minus strand). VCF-style: chr9-132928814-C-T. GRCh37 (hg19) VCF-style: chr9-135804201-C-T.
Other names: c.59G>A, p.Gly20Asp (NM_001162426.2, NM_001162427.2); c.-201G>A (NM_001362177.2); short protein forms G20D.
Identifiers: ClinVar variation 1319456 (VCV001319456.7), dbSNP rs2132295150, ClinGen allele CA375375351.

ClinVar aggregate classification (germline): Uncertain significance. Review status: criteria provided, multiple submitters, no conflicts (2 of 4 stars). 3 submissions from 3 submitters: Uncertain significance (3). Last evaluated 2026-07-07.

Conditions:
Hereditary cancer-predisposing syndrome. Also called: Hereditary Cancer Syndrome; Neoplastic Syndromes, Hereditary; Hereditary neoplastic syndrome; Tumor predisposition. Identifiers: Orphanet 140162, MedGen C0027672, MeSH D009386, MONDO:0015356.
Tuberous sclerosis 1 (TSC1). Identifiers: Orphanet 805, MedGen C1854465, MONDO:0008612, OMIM 191100.

Submissions (3):

Ambry Genetics
Classification: Uncertain significance for Hereditary cancer-predisposing syndrome. Last evaluated: 2026-07-07. Review status: criteria provided, single submitter. Criteria: Ambry Variant Classification Scheme 2023. Collection method: clinical testing. Allele origin: germline.
Comment: The p.G20D variant (also known as c.59G>A), located in coding exon 1 of the TSC1 gene, results from a G to A substitution at nucleotide position 59. The glycine at codon 20 is replaced by aspartic acid, an amino acid with similar properties. This amino acid position is conserved. In addition, this alteration is predicted to be tolerated by in silico analysis. Based on the available evidence, the clinical significance of this variant remains unclear.

Labcorp Genetics (formerly Invitae), Labcorp
Classification: Uncertain significance for Tuberous sclerosis 1. Last evaluated: 2024-11-29. Review status: criteria provided, single submitter. Criteria: Invitae Variant Classification Sherloc (09022015). Collection method: clinical testing. Allele origin: germline.
Comment: This sequence change replaces glycine, which is neutral and non-polar, with aspartic acid, which is acidic and polar, at codon 20 of the TSC1 protein (p.Gly20Asp). This variant is not present in population databases (gnomAD no frequency). This variant has not been reported in the literature in individuals affected with TSC1-related conditions. ClinVar contains an entry for this variant (Variation ID: 1319456). Invitae Evidence Modeling of protein sequence and biophysical properties (such as structural, functional, and spatial information, amino acid conservation, physicochemical variation, residue mobility, and thermodynamic stability) indicates that this missense variant is not expected to disrupt TSC1 protein function with a negative predictive value of 95%. In summary, the available evidence is currently insufficient to determine the role of this variant in disease. Therefore, it has been classified as a Variant of Uncertain Significance.

Institute for Clinical Genetics, University Hospital TU Dresden, University Hospital TU Dresden
Classification: Uncertain significance. Last evaluated: 2021-11-03. Review status: criteria provided, single submitter. Criteria: ACMG Guidelines, 2015. Collection method: clinical testing. Allele origin: germline.